The following is an entry in ClinVar:

ClinVar aggregate classification (germline): Conflicting classifications of pathogenicity. Review status: criteria provided, conflicting classifications (1 of 4 stars). 3 submissions from 3 submitters: Likely pathogenic (1); Uncertain significance (1). 1 of the submissions does not count toward it. Last evaluated 2026-01-16.

Conditions:
Fraser syndrome 2 (FRASRS2). Identifiers: MedGen C4540036, MONDO:0054738, OMIM 617666.
Isolated cryptophthalmia. Also called: ANKYLOBLEPHARON, SIMPLE; Cryptophthalmos, unilateral or bilateral, isolated. Identifiers: Orphanet 91396, MedGen C1852453, MONDO:0007410, OMIM 123570.

Allele frequency attached by ClinVar (database versions not stated): gnomAD exomes below 0.00001; TOPMed below 0.00001; ExAC 0.00002.
gnomAD v4.1: 5 of 1,614,126 alleles (0.00031%); highest among the groups gnomAD compares: Admixed American, 0.0017%; no homozygotes.

Submissions (3):

Labcorp Genetics (formerly Invitae), Labcorp
Classification: Likely pathogenic. Last evaluated: 2026-01-16. Review status: criteria provided, single submitter. Criteria: Invitae Variant Classification Sherloc (09022015). Collection method: clinical testing. Allele origin: germline.
Comment: This sequence change replaces glutamic acid, which is acidic and polar, with lysine, which is basic and polar, at codon 1972 of the FREM2 protein (p.Glu1972Lys). This variant is present in population databases (rs121434356, gnomAD 0.003%). This missense change has been observed in individuals with Fraser syndrome (PMID: 15838507, 18671281). ClinVar contains an entry for this variant (Variation ID: 1987). Invitae Evidence Modeling of protein sequence and biophysical properties (such as structural, functional, and spatial information, amino acid conservation, physicochemical variation, residue mobility, and thermodynamic stability) indicates that this missense variant is expected to disrupt FREM2 protein function with a positive predictive value of 80%. Experimental studies have shown that this missense change affects FREM2 function (PMID: 29688405). In summary, the currently available evidence indicates that the variant is pathogenic, but additional data are needed to prove that conclusively. Therefore, this variant has been classified as Likely Pathogenic.

Fulgent Genetics
Classification: Uncertain significance for Isolated cryptophthalmia; Fraser syndrome 2. Last evaluated: 2024-01-08. Review status: criteria provided, single submitter. Criteria: ACMG Guidelines, 2015. Collection method: clinical testing. Allele origin: germline.

OMIM
Classification: Pathogenic for FRASER SYNDROME 2. Last evaluated: 2008-09-01. Review status: no assertion criteria provided. Collection method: literature only. Allele origin: germline. Not counted in ClinVar's aggregate classification.

Literature cited by the submitters: PubMed 15838507 (cited by Labcorp Genetics (formerly Invitae), Labcorp and OMIM); PubMed 18671281 (cited by Labcorp Genetics (formerly Invitae), Labcorp and OMIM); PubMed 29688405 (cited by Labcorp Genetics (formerly Invitae), Labcorp and OMIM).

NM_207361.6(FREM2):c.5914G>A (p.Glu1972Lys)

Gene: FREM2 (FRAS1 related extracellular matrix 2; plus strand). Cytogenetic location: 13q13.3.
Variant type: single nucleotide variant.
Coding change: c.5914G>A on transcript NM_207361.6 (MANE Select); coding-DNA position 5914, G replaced by A.
Protein change: p.Glu1972Lys; replaces glutamic acid 1972 with lysine.
Molecular consequence: missense variant.
Genome position (GRCh38, 1-based): chr13:38,784,703, G>A. VCF-style: chr13-38784703-G-A. GRCh37 (hg19) VCF-style: chr13-39358840-G-A.
Other names: short protein forms E1972K.
Identifiers: ClinVar variation 1987 (VCV000001987.4), dbSNP rs121434356, ClinGen allele CA115303.
Genomic context (GRCh38, chr13:38,784,703, plus strand): 5'-TTTGACAAAGATGAACGGGAGAAACTGTGTCGGATAGTCATAATTGATGACTCTTTGTAC[G>A]AGGAGGAGGAAACCTTCCATGTCCTTCTGAGCATGCCCATGGGGGGAAGAATCGGATCAG-3'
Protein context (NP_997244.4, residues 1962-1982): RIVIIDDSLY[Glu1972Lys]EEETFHVLLS